The following is an entry in ClinVar:

ClinVar aggregate classification (germline): Uncertain significance. Review status: criteria provided, multiple submitters, no conflicts (2 of 4 stars). 2 submissions from 2 submitters: Uncertain significance (2). Last evaluated 2026-07-06.

Conditions:
Gorlin syndrome. Also called: Nevoid Basal Cell Carcinoma Syndrome; Basal cell nevus syndrome. Identifiers: Orphanet 377, MedGen C0004779, MONDO:0007187.
Hereditary cancer-predisposing syndrome. Also called: Hereditary Cancer Syndrome; Hereditary neoplastic syndrome; Neoplastic Syndromes, Hereditary; Tumor predisposition. Identifiers: Orphanet 140162, MedGen C0027672, MeSH D009386, MONDO:0015356.

gnomAD v4.1: 1 of 1,594,486 alleles (0.000063%); highest among the groups gnomAD compares: Non-Finnish European, 0.000085%; no homozygotes.

Submissions (2):

Ambry Genetics
Classification: Uncertain significance for Hereditary cancer-predisposing syndrome. Last evaluated: 2026-07-06. Review status: criteria provided, single submitter. Criteria: Ambry Variant Classification Scheme 2023. Collection method: clinical testing. Allele origin: germline.
Comment: The p.S1150G variant (also known as c.3448A>G), located in coding exon 22 of the PTCH1 gene, results from an A to G substitution at nucleotide position 3448. The serine at codon 1150 is replaced by glycine, an amino acid with similar properties. This amino acid position is conserved. In addition, this alteration is predicted to be tolerated by in silico analysis. Based on the available evidence, the clinical significance of this variant remains unclear.

Labcorp Genetics (formerly Invitae), Labcorp
Classification: Uncertain significance for Gorlin syndrome. Last evaluated: 2025-04-13. Review status: criteria provided, single submitter. Criteria: Invitae Variant Classification Sherloc (09022015). Collection method: clinical testing. Allele origin: germline.
Comment: This sequence change replaces serine, which is neutral and polar, with glycine, which is neutral and non-polar, at codon 1216 of the PTCH1 protein (p.Ser1216Gly). This variant is not present in population databases (gnomAD no frequency). This variant has not been reported in the literature in individuals affected with PTCH1-related conditions. Invitae Evidence Modeling of protein sequence and biophysical properties (such as structural, functional, and spatial information, amino acid conservation, physicochemical variation, residue mobility, and thermodynamic stability) indicates that this missense variant is not expected to disrupt PTCH1 protein function with a negative predictive value of 95%. In summary, the available evidence is currently insufficient to determine the role of this variant in disease. Therefore, it has been classified as a Variant of Uncertain Significance.

NM_000264.5(PTCH1):c.3646A>G (p.Ser1216Gly)

Gene: PTCH1 (patched 1; minus strand). Cytogenetic location: 9q22.32.
Variant type: single nucleotide variant.
Coding change: c.3646A>G on transcript NM_000264.5 (MANE Select); coding-DNA position 3646, A replaced by G.
Protein change: p.Ser1216Gly; replaces serine 1216 with glycine.
Molecular consequence: missense variant. On other transcripts: non-coding transcript variant (1).
Genome position (GRCh38, 1-based): chr9:95,449,227, T>C on the plus strand (A>G on the coding strand, the complement: PTCH1 is on the minus strand). VCF-style: chr9-95449227-T-C. GRCh37 (hg19) VCF-style: chr9-98211509-T-C.
Other names: c.3448A>G, p.Ser1150Gly (NM_001083602.3); c.3643A>G, p.Ser1215Gly (NM_001083603.3); c.3193A>G, p.Ser1065Gly (NM_001083604.3, NM_001083605.3, NM_001083606.3 and 1 more transcripts); c.3490A>G, p.Ser1164Gly (NM_001354918.2); short protein forms S1216G, S1150G, S1164G, S1215G, S1065G.
Identifiers: ClinVar variation 4752484 (VCV004752484.2).